The following is an entry in ClinVar:

ClinVar aggregate classification (germline): Pathogenic/Likely pathogenic. Review status: criteria provided, multiple submitters, no conflicts (2 of 4 stars). 3 submissions from 3 submitters: Pathogenic (1); Likely pathogenic (1). 1 of the submissions does not count toward it. Last evaluated 2026-04-13.

Conditions:
Imerslund-Grasbeck syndrome. Also called: Imerslund-Gräsbeck syndrome; Megaloblastic anemia due to inborn errors of metabolism; ENTEROCYTE COBALAMIN MALABSORPTION; ENTEROCYTE INTRINSIC FACTOR RECEPTOR, DEFECT OF; PERNICIOUS ANEMIA, JUVENILE, DUE TO SELECTIVE INTESTINAL MALABSORPTION OF VITAMIN B12, WITH PROTEINURIA. Identifiers: Orphanet 35858, MedGen C4551825, MONDO:0009853.
Imerslund-Grasbeck syndrome type 1 (IGS1). Also called: Megaloblastic anemia 1, Finnish type; MEGALOBLASTIC ANEMIA, 1; Imerslund-Gräsbeck syndrome 1. Identifiers: MedGen C4016819, MONDO:0100156, OMIM 261100.
Proteinuria, chronic benign. Identifiers: MedGen C5394384, MONDO:0030042, OMIM 618884.

Submissions (3):

Women's Health and Genetics/Laboratory Corporation of America, LabCorp
Classification: Pathogenic for Imerslund-Grasbeck syndrome type 1. Last evaluated: 2026-04-13. Review status: criteria provided, single submitter. Criteria: LabCorp Variant Classification Summary - May 2015. Collection method: clinical testing. Allele origin: germline.
Comment: Variant summary: CUBN c.4973delA (p.Asn1658IlefsX23) results in a premature termination codon, predicted to cause a truncation of the encoded protein or absence of the protein due to nonsense mediated decay, which are commonly known mechanisms for disease. The variant was absent in 250496 control chromosomes. c.4973delA has been observed in at least one individual affected with Chronic Kidney Disease (Bedin_2020). To our knowledge, no experimental evidence demonstrating an impact on protein function has been reported. The following publication have been ascertained in the context of this evaluation (PMID: 31613795). ClinVar contains an entry for this variant (Variation ID: 829940). Based on the evidence outlined above, the variant was classified as pathogenic.

Fulgent Genetics
Classification: Likely pathogenic for Imerslund-Grasbeck syndrome type 1; Proteinuria, chronic benign. Last evaluated: 2022-02-17. Review status: criteria provided, single submitter. Criteria: ACMG Guidelines, 2015. Collection method: clinical testing. Allele origin: unknown.

Bioscientia Institut fuer Medizinische Diagnostik GmbH, Sonic Healthcare
Classification: Likely pathogenic for Imerslund-Grasbeck syndrome type 1. Last evaluated: 2019-03-21. Review status: no assertion criteria provided. Collection method: clinical testing. Allele origin: germline. Affected: yes. Not counted in ClinVar's aggregate classification.

Literature cited by the submitters: PubMed 31613795 (cited by Women's Health and Genetics/Laboratory Corporation of America, LabCorp).

NM_001081.4(CUBN):c.4973del (p.Asn1658fs)

Gene: CUBN (cubilin; minus strand). Cytogenetic location: 10p13.
Variant type: Deletion.
Coding change: c.4973del on transcript NM_001081.4 (MANE Select); coding-DNA position 4973, one base deleted (A; older notation c.4973delA).
Protein change: p.Asn1658fs; shifts the reading frame from asparagine 1658.
Molecular consequence: frameshift variant.
Genome position (GRCh38, 1-based): chr10:16,950,108, T deleted on the plus strand (A on the coding strand, the reverse complement: CUBN is on the minus strand); the first of 3 consecutive T bases (chr10:16,950,108-16,950,110); deleting any one gives the same sequence. VCF-style (leftmost placement, unchanged base first): chr10-16950107-AT-A. GRCh37 (hg19) VCF-style: chr10-16992106-AT-A.
Other names: c.4973delA (NM_001081.4); short protein forms N1658fs.
Identifiers: ClinVar variation 829940 (VCV000829940.4), dbSNP rs1588511533, ClinGen allele CA915945858.
Genomic context (GRCh38, chr10:16,950,107, plus strand): 5'-GTCACGTGCACACGTTGTGCTTCTTTCAAGTTCAAAGTGGGTAAAAGAGAGGGTGATATG[AT>A]TTACTGGAAGAAAAAAGAGAAGACTCTCTCGTAAAGTACTGGCAAATAAAACATACAGGG-3'